The following is an entry in ClinVar:

ClinVar aggregate classification (germline): Likely benign (0 of 4 stars; one submission).

Conditions:
DNAH6-related disorder. Also called: DNAH6-related condition.

gnomAD v4.1: 3,171 of 1,551,900 alleles (0.2%); highest among the groups gnomAD compares: Non-Finnish European, 0.22%; 7 homozygotes.

Submission:

PreventionGenetics, part of Exact Sciences
Classification: Likely benign for DNAH6-related condition. Last evaluated: 2024-03-26. Review status: no assertion criteria provided. Collection method: clinical testing. Allele origin: germline.
Comment: This variant is classified as likely benign based on ACMG/AMP sequence variant interpretation guidelines (Richards et al. 2015 PMID: 25741868, with internal and published modifications).

NM_001370.2(DNAH6):c.7997C>A (p.Ser2666Tyr)

Gene: DNAH6 (dynein axonemal heavy chain 6; plus strand). Cytogenetic location: 2p11.2.
Variant type: single nucleotide variant.
Coding change: c.7997C>A on transcript NM_001370.2 (MANE Select); coding-DNA position 7997, C replaced by A.
Protein change: p.Ser2666Tyr; replaces serine 2666 with tyrosine.
Molecular consequence: missense variant.
Genome position (GRCh38, 1-based): chr2:84,701,275, C>A. VCF-style: chr2-84701275-C-A. GRCh37 (hg19) VCF-style: chr2-84928399-C-A.
Other names: short protein forms S2666Y.
Identifiers: ClinVar variation 3352654 (VCV003352654.1).
Genomic context (GRCh38, chr2:84,701,275, plus strand): 5'-CCAGCATGGCAGAGCGCTATTACAATGAGCTGCGCAGGCGGTACTACACGACACCCACCT[C>A]CTACCTGGAGCTTATCAATCTTTACCTGTCTATGCTGTCTGAAAAAAGGAAGCAGATTAT-3'
Protein context (NP_001361.1, residues 2656-2676): LRRRYYTTPT[Ser2666Tyr]YLELINLYLS